The following is an entry in ClinVar:

ClinVar aggregate classification (germline): Uncertain significance (1 of 4 stars; one submission).

Conditions:
Hereditary cancer-predisposing syndrome. Also called: Neoplastic Syndromes, Hereditary; Hereditary Cancer Syndrome; Hereditary neoplastic syndrome; Tumor predisposition. Identifiers: Orphanet 140162, MedGen C0027672, MeSH D009386, MONDO:0015356.

Submission:

Ambry Genetics
Classification: Uncertain significance for Hereditary cancer-predisposing syndrome. Last evaluated: 2023-05-23. Review status: criteria provided, single submitter. Criteria: Ambry Variant Classification Scheme 2023. Collection method: clinical testing. Allele origin: germline.
Comment: The p.F848V variant (also known as c.2542T>G), located in coding exon 18 of the KIT gene, results from a T to G substitution at nucleotide position 2542. The phenylalanine at codon 848 is replaced by valine, an amino acid with highly similar properties. This amino acid position is conserved. In addition, the in silico prediction for this alteration is inconclusive. Since supporting evidence is limited at this time, the clinical significance of this alteration remains unclear.

NM_000222.3(KIT):c.2542T>G (p.Phe848Val)

Gene: KIT (KIT proto-oncogene, receptor tyrosine kinase; plus strand). Cytogenetic location: 4q12.
Variant type: single nucleotide variant.
Coding change: c.2542T>G on transcript NM_000222.3 (MANE Select); coding-DNA position 2542, T replaced by G.
Protein change: p.Phe848Val; replaces phenylalanine 848 with valine.
Molecular consequence: missense variant.
Genome position (GRCh38, 1-based): chr4:54,736,555, T>G. VCF-style: chr4-54736555-T-G. GRCh37 (hg19) VCF-style: chr4-55602721-T-G.
Other names: c.2530T>G, p.Phe844Val (NM_001093772.2, NM_001385292.1); c.2545T>G, p.Phe849Val (NM_001385284.1); c.2539T>G, p.Phe847Val (NM_001385285.1); c.2527T>G, p.Phe843Val (NM_001385286.1); c.2533T>G, p.Phe845Val (NM_001385288.1); c.2542T>G, p.Phe848Val (NM_001385290.1); short protein forms F845V, F847V, F844V, F849V, F843V, F848V.
Identifiers: ClinVar variation 2561462 (VCV002561462.2), dbSNP rs2109811323, ClinGen allele CA356913192.